The following is an entry in ClinVar:

NM_006648.4(WNK2):c.6616G>C (p.Val2206Leu)

Gene: WNK2 (WNK lysine deficient protein kinase 2; plus strand). Cytogenetic location: 9q22.31.
Variant type: single nucleotide variant.
Coding change: c.6616G>C on transcript NM_006648.4 (MANE Select); coding-DNA position 6616, G replaced by C.
Protein change: p.Val2206Leu; replaces valine 2206 with leucine.
Molecular consequence: missense variant.
Genome position (GRCh38, 1-based): chr9:93,317,619, G>C. VCF-style: chr9-93317619-G-C. GRCh37 (hg19) VCF-style: chr9-96079901-G-C.
Other names: c.6727G>C, p.Val2243Leu (NM_001282394.3); short protein forms V2243L, V2206L.
Identifiers: ClinVar variation 3816746 (VCV003816746.1).

ClinVar aggregate classification (germline): Uncertain significance (1 of 4 stars; one submission).

gnomAD v4.1: 1 of 1,612,814 alleles (0.000062%); highest among the groups gnomAD compares: Non-Finnish European, 0.000085%; no homozygotes.

Submission:

Ambry Genetics
Classification: Uncertain significance. Last evaluated: 2025-01-05. Review status: criteria provided, single submitter. Criteria: Ambry Variant Classification Scheme 2023. Collection method: clinical testing. Allele origin: germline.
Comment: The p.V2206L variant (also known as c.6616G>C), located in coding exon 28 of the WNK2 gene, results from a G to C substitution at nucleotide position 6616. The valine at codon 2206 is replaced by leucine, an amino acid with highly similar properties. This amino acid position is conserved. In addition, this alteration is predicted to be tolerated by in silico analysis. Based on the available evidence, the clinical significance of this variant remains unclear.